The following is an entry in ClinVar:

ClinVar aggregate classification (germline): Uncertain significance (1 of 4 stars; one submission).

Allele frequency attached by ClinVar (database versions not stated): gnomAD exomes below 0.00001; TOPMed 0.00001.
gnomAD v4.1: 1 of 1,582,076 alleles (0.000063%); highest among the groups gnomAD compares: Middle Eastern, 0.018%; no homozygotes.

Submission:

GeneDx
Classification: Uncertain significance. Last evaluated: 2020-07-08. Review status: criteria provided, single submitter. Criteria: GeneDx Variant Classification Process June 2021. Collection method: clinical testing. Allele origin: germline. Affected: yes.
Comment: Not observed in large population cohorts (Lek et al., 2016); In silico analysis supports that this missense variant does not alter protein structure/function; Has not been previously published as pathogenic or benign to our knowledge

NM_003737.4(DCHS1):c.3656G>A (p.Gly1219Asp)

Gene: DCHS1 (dachsous cadherin-related 1; minus strand). Cytogenetic location: 11p15.4.
Variant type: single nucleotide variant.
Coding change: c.3656G>A on transcript NM_003737.4 (MANE Select); coding-DNA position 3656, G replaced by A.
Protein change: p.Gly1219Asp; replaces glycine 1219 with aspartic acid.
Molecular consequence: missense variant.
Genome position (GRCh38, 1-based): chr11:6,631,635, C>T on the plus strand (G>A on the coding strand, the complement: DCHS1 is on the minus strand). VCF-style: chr11-6631635-C-T. GRCh37 (hg19) VCF-style: chr11-6652866-C-T.
Other names: short protein forms G1219D.
Identifiers: ClinVar variation 1313052 (VCV001313052.2), dbSNP rs1855909160, ClinGen allele CA379411028.